The following is an entry in ClinVar:

NM_024408.4(NOTCH2):c.1114del (p.Leu372fs)

Gene: NOTCH2 (notch receptor 2; minus strand). Cytogenetic location: 1p12.
Variant type: Deletion.
Coding change: c.1114del on transcript NM_024408.4 (MANE Select); coding-DNA position 1114, one base deleted (C; older notation c.1114delC).
Protein change: p.Leu372fs; shifts the reading frame from leucine 372.
Molecular consequence: frameshift variant.
Genome position (GRCh38, 1-based): chr1:119,968,227, G deleted on the plus strand (C on the coding strand, the reverse complement: NOTCH2 is on the minus strand); the first of 2 consecutive G bases (chr1:119,968,227-119,968,228); deleting either gives the same sequence. VCF-style (leftmost placement, unchanged base first): chr1-119968226-AG-A. GRCh37 (hg19) VCF-style: chr1-120510849-AG-A.
Other names: c.1114del, p.Leu372fs (NM_001200001.2); short protein forms L372fs.
Identifiers: ClinVar variation 3347163 (VCV003347163.1).
Genomic context (GRCh38, chr1:119,968,226, plus strand): 5'-GTGTCACACAGTGCCCCCTTGTGGCAAGGATTGCTGATGCATGCATCATCCAGATGACAC[AG>A]GAGACCTGTCACAGGGTGGGGCAAAGGACAACTAAGAGAAAATGTCTCTCACTTGGGGAA-3'

ClinVar aggregate classification (germline): Likely pathogenic (0 of 4 stars; one submission).

Conditions:
NOTCH2-related disorder. Also called: NOTCH2-related condition.

Submission:

PreventionGenetics, part of Exact Sciences
Classification: Likely pathogenic for NOTCH2-related condition. Last evaluated: 2024-07-30. Review status: no assertion criteria provided. Collection method: clinical testing. Allele origin: germline.
Comment: The NOTCH2 c.1114delC variant is predicted to result in a frameshift and premature protein termination (p.Leu372Cysfs*24). To our knowledge, this variant has not been reported in the literature or in a large population database, indicating this variant is rare. Frameshift variants in NOTCH2 are expected to be pathogenic. This variant is interpreted as likely pathogenic.